The following is an entry in ClinVar:

NC_000007.14:g.(?_16216056)_(16216207_?)del

Genes: CRPPA-AS1 (CRPPA antisense RNA 1; plus strand), CRPPA (CDP-L-ribitol pyrophosphorylase A; minus strand). Cytogenetic location: 7p21.2.
Variant type: Deletion.
Identifiers: ClinVar variation 662864 (VCV000662864.2).

ClinVar aggregate classification (germline): Uncertain significance (1 of 4 stars; one submission).

Conditions:
Autosomal recessive limb-girdle muscular dystrophy type 2U. Also called: Muscular dystrophy-dystroglycanopathy (limb-girdle), type c, 7; MUSCULAR DYSTROPHY, LIMB-GIRDLE, TYPE 2U. Identifiers: Orphanet 352479, MedGen C5190987, MONDO:0014474, OMIM 616052.
Muscular dystrophy-dystroglycanopathy (congenital with brain and eye anomalies), type A, 7. Also called: WALKER-WARBURG SYNDROME OR MUSCLE-EYE-BRAIN DISEASE, ISPD-RELATED; Congenital muscular dystrophy-dystroglycanopathy with brain and eye anomalies, type A7. Identifiers: Orphanet 899, MedGen C3553330, MONDO:0013835, OMIM 614643.

Submission:

Labcorp Genetics (formerly Invitae), Labcorp
Classification: Uncertain significance for Congenital muscular dystrophy-dystroglycanopathy with brain and eye anomalies, type A7; Muscular dystrophy-dystroglycanopathy (limb-girdle), type c, 7. Last evaluated: 2019-07-02. Review status: criteria provided, single submitter. Criteria: Invitae Variant Classification Sherloc (09022015). Collection method: clinical testing. Allele origin: germline.
Comment: This variant is an in-frame deletion of the genomic region encompassing exon 9 of the ISPD gene. It preserves the integrity of the reading frame. This variant has not been reported in the literature in individuals with ISPD-related disease. Experimental studies and prediction algorithms are not available for this variant, and the functional significance of the deleted amino acids is currently unknown. In summary, the available evidence is currently insufficient to determine the role of this variant in disease. Therefore, it has been classified as a Variant of Uncertain Significance.